The following is an entry in ClinVar:

ClinVar aggregate classification (germline): Uncertain significance. Review status: criteria provided, multiple submitters, no conflicts (2 of 4 stars). 2 submissions from 2 submitters: Uncertain significance (2). Last evaluated 2023-10-10.

Conditions:
Joubert syndrome. Also called: CEREBELLOPARENCHYMAL DISORDER IV; JOUBERT-BOLTSHAUSER SYNDROME; Familial aplasia of the vermis. Identifiers: Orphanet 475, MedGen C5979921, MONDO:0018772.
Meckel-Gruber syndrome. Also called: DYSENCEPHALIA SPLANCHNOCYSTICA; GRUBER SYNDROME; Dysencephalia splachnocystica. Identifiers: Orphanet 564, MedGen C0265215, MONDO:0018921.
Inborn genetic diseases. Identifiers: MedGen C0950123, MeSH D030342.

Allele frequency attached by ClinVar (database versions not stated): ExAC 0.00001.
gnomAD v4.1: 4 of 1,614,042 alleles (0.00025%); highest among the groups gnomAD compares: Non-Finnish European, 0.00034%; no homozygotes.

Submissions (2):

Ambry Genetics
Classification: Uncertain significance for Inborn genetic diseases. Last evaluated: 2023-10-10. Review status: criteria provided, single submitter. Criteria: Ambry Variant Classification Scheme 2023. Collection method: clinical testing. Allele origin: germline.

Labcorp Genetics (formerly Invitae), Labcorp
Classification: Uncertain significance for Joubert syndrome; Meckel-Gruber syndrome. Last evaluated: 2021-08-31. Review status: criteria provided, single submitter. Criteria: Invitae Variant Classification Sherloc (09022015). Collection method: clinical testing. Allele origin: germline.
Comment: This sequence change replaces isoleucine with leucine at codon 274 of the TMEM67 protein (p.Ile274Leu). The isoleucine residue is moderately conserved and there is a small physicochemical difference between isoleucine and leucine. This variant is present in population databases (rs748922044, ExAC 0.001%). This variant has not been reported in the literature in individuals affected with TMEM67-related conditions. Advanced modeling of protein sequence and biophysical properties (such as structural, functional, and spatial information, amino acid conservation, physicochemical variation, residue mobility, and thermodynamic stability) performed at Invitae indicates that this missense variant is not expected to disrupt TMEM67 protein function. In summary, the available evidence is currently insufficient to determine the role of this variant in disease. Therefore, it has been classified as a Variant of Uncertain Significance.

NM_153704.6(TMEM67):c.820A>C (p.Ile274Leu)

Gene: TMEM67 (transmembrane protein 67; plus strand). Cytogenetic location: 8q22.1.
Variant type: single nucleotide variant.
Coding change: c.820A>C on transcript NM_153704.6 (MANE Select); coding-DNA position 820, A replaced by C.
Protein change: p.Ile274Leu; replaces isoleucine 274 with leucine.
Molecular consequence: missense variant. On other transcripts: non-coding transcript variant (1).
Genome position (GRCh38, 1-based): chr8:93,780,698, A>C. VCF-style: chr8-93780698-A-C. GRCh37 (hg19) VCF-style: chr8-94792926-A-C.
Other names: c.577A>C, p.Ile193Leu (NM_001142301.1); c.820A>C (NM_153704.5); short protein forms I193L, I274L.
Identifiers: ClinVar variation 1442676 (VCV001442676.6), dbSNP rs748922044, ClinGen allele CA4807775.